The following is an entry in ClinVar:

ClinVar aggregate classification (germline): Likely benign. Review status: reviewed by expert panel (3 of 4 stars). 5 submissions from 5 submitters: Likely benign (1). 4 of the submissions do not count toward it. Last evaluated 2017-06-29.

Conditions:
Hereditary cancer-predisposing syndrome. Also called: Hereditary Cancer Syndrome; Neoplastic Syndromes, Hereditary; Hereditary neoplastic syndrome; Tumor predisposition. Identifiers: Orphanet 140162, MedGen C0027672, MeSH D009386, MONDO:0015356.
Hereditary breast ovarian cancer syndrome. Also called: Hereditary breast and ovarian cancer syndrome (HBOC); Breast and ovarian cancer; Hereditary breast and ovarian cancer syndrome; Hereditary breast and ovarian cancer; BRCA1- and BRCA2-Associated Hereditary Breast and Ovarian Cancer; Hereditary breast and/or ovarian cancer syndrome. Identifiers: Orphanet 145, MedGen C0677776, MeSH D061325, MONDO:0003582. Disease mechanism: loss of function.
Breast-ovarian cancer, familial, susceptibility to, 1 (BROVCA1). Also called: BRCA1 Hereditary Breast and Ovarian Cancer; OVARIAN CANCER, SUSCEPTIBILITY TO. Identifiers: Orphanet 145, MedGen C2676676, MONDO:0011450, OMIM 604370. Disease mechanism: loss of function.

Submissions (6):

Evidence-based Network for the Interpretation of Germline Mutant Alleles (ENIGMA)
Classification: Likely benign for Breast-ovarian cancer, familial, susceptibility to, 1. Last evaluated: 2017-06-29. Review status: reviewed by expert panel. Criteria: ENIGMA BRCA1/2 Classification Criteria (2017-06-29). Collection method: curation. Allele origin: germline.
Comment: Synonymous substitution variant, with low bioinformatic likelihood to result in a splicing aberration (Splicing prior probability 0.02).

ARUP Laboratories, Molecular Genetics and Genomics, ARUP Laboratories
Classification: Uncertain significance. Last evaluated: 2025-07-09. Review status: criteria provided, single submitter. Criteria: ARUP Molecular Germline Variant Investigation Process 2024. Collection method: clinical testing. Allele origin: germline. Not counted in ClinVar's aggregate classification.
Comment: The BRCA1 c.4959G>A; p.Val1653= variant (rs878854955, ClinVar Variation ID 240809) is reported in the literature in one individual with breast cancer, but with no evidence of causality {Momozawa, 2018 #241}. This variant is absent from the Genome Aggregation Database (v2.1.1), indicating it is not a common polymorphism. This is a synonymous variant and computational analysis (SpliceAI) is not informative. Due to limited information, the clinical significance of this variant is uncertain at this time. References: Momozawa Y et al. Germline pathogenic variants of 11 breast cancer genes in 7,051 Japanese patients and 11,241 controls. Nat Commun. 2018 Oct 4. PMID: 30287823.

Labcorp Genetics (formerly Invitae), Labcorp
Classification: Likely benign for Hereditary breast ovarian cancer syndrome. Last evaluated: 2024-06-13. Review status: criteria provided, single submitter. Criteria: Invitae Variant Classification Sherloc (09022015). Collection method: clinical testing. Allele origin: germline. Not counted in ClinVar's aggregate classification.

Ambry Genetics
Classification: Benign for Hereditary cancer-predisposing syndrome. Last evaluated: 2023-12-06. Review status: criteria provided, single submitter. Criteria: Ambry Variant Classification Scheme 2023. Collection method: clinical testing. Allele origin: germline. Not counted in ClinVar's aggregate classification.

Women's Health and Genetics/Laboratory Corporation of America, LabCorp
Classification: Likely benign. Last evaluated: 2019-08-21. Review status: criteria provided, single submitter. Criteria: LabCorp Variant Classification Summary - May 2015. Collection method: clinical testing. Allele origin: germline. Not counted in ClinVar's aggregate classification.

Brotman Baty Institute, University of Washington
No classification provided (evidence only). Condition: Breast-ovarian cancer, familial 1. Review status: no classification provided. Collection method: in vitro. Allele origin: not applicable. Functional consequence: functionally_normal. Not counted in ClinVar's aggregate classification.
ClinVar note: "not provided" was previously submitted as the classification for the variant. However, the classification appeared to be based only on an observation of functional data so it was converted to no classification on 2025-07-30.

NM_007294.4(BRCA1):c.4959G>A (p.Val1653=)

Gene: BRCA1 (BRCA1 DNA repair associated; minus strand). Cytogenetic location: 17q21.31.
Variant type: single nucleotide variant.
Coding change: c.4959G>A on transcript NM_007294.4 (MANE Select); coding-DNA position 4959, G replaced by A.
Protein change: p.Val1653=; no amino-acid change (valine 1653 retained).
Molecular consequence: synonymous variant. On other transcripts: intron variant (1).
Genome position (GRCh38, 1-based): chr17:43,070,955, C>T on the plus strand (G>A on the coding strand, the complement: BRCA1 is on the minus strand). VCF-style: chr17-43070955-C-T. GRCh37 (hg19) VCF-style: chr17-41222972-C-T.
Other names: c.4746G>A, p.Val1582= (NM_001407571.1, NM_001407894.1, NM_001407895.1 and 12 more transcripts); c.5025G>A, p.Val1675= (NM_001407581.1, NM_001407582.1); c.5022G>A, p.Val1674= (NM_001407583.1, NM_001407585.1, NM_001407587.1 and 1 more transcripts); c.5019G>A, p.Val1673= (NM_001407590.1, NM_001407591.1); c.4959G>A, p.Val1653= (NM_001407593.1, NM_001407594.1, NM_001407596.1 and 8 more transcripts); c.4956G>A, p.Val1652= (NM_001407610.1, NM_001407611.1, NM_001407612.1 and 17 more transcripts); c.4953G>A, p.Val1651= (NM_001407627.1, NM_001407628.1, NM_001407629.1 and 14 more transcripts); c.4950G>A, p.Val1650= (NM_001407644.1, NM_001407645.1); and 71 more.
Identifiers: ClinVar variation 240809 (VCV000240809.18), dbSNP rs878854955, ClinGen allele CA10583556.